The following is an entry in ClinVar:

ClinVar aggregate classification (germline): Likely benign. Review status: criteria provided, multiple submitters, no conflicts (2 of 4 stars). 7 submissions from 7 submitters: Likely benign (7). Last evaluated 2026-03-25.

Allele frequency attached by ClinVar (database versions not stated): gnomAD exomes 0.00009 and 0.00013; gnomAD 0.00013 and 0.00014; TOPMed 0.00014; ESP Exome Variant Server 0.00015; ExAC 0.00016.
gnomAD v4.1: 150 of 1,614,186 alleles (0.0093%); highest among the groups gnomAD compares: Middle Eastern, 0.066%; no homozygotes.

Submissions (7):

Women's Health and Genetics/Laboratory Corporation of America, LabCorp
Classification: Likely benign. Last evaluated: 2026-03-25. Review status: criteria provided, single submitter. Criteria: LabCorp Variant Classification Summary - May 2015. Collection method: clinical testing. Allele origin: germline.

Labcorp Genetics (formerly Invitae), Labcorp
Classification: Likely benign. Last evaluated: 2025-12-16. Review status: criteria provided, single submitter. Criteria: Invitae Variant Classification Sherloc (09022015). Collection method: clinical testing. Allele origin: germline.

CeGaT Center for Human Genetics Tuebingen
Classification: Likely benign. Last evaluated: 2025-02-01. Review status: criteria provided, single submitter. Criteria: CeGaT Center For Human Genetics Tuebingen Variant Classification Criteria Version 2. Collection method: clinical testing. Allele origin: germline. Affected: yes. Observed: 2 variant alleles.
Comment: MYH9: BP4, BP7

Blueprint Genetics
Classification: Likely benign. Last evaluated: 2024-05-23. Review status: criteria provided, single submitter. Criteria: ACMG Guidelines, 2015. Collection method: clinical testing. Allele origin: germline.

GeneDx
Classification: Likely benign. Last evaluated: 2020-11-24. Review status: criteria provided, single submitter. Criteria: GeneDx Variant Classification Process June 2021. Collection method: clinical testing. Allele origin: germline. Affected: yes.

Laboratory for Molecular Medicine, Mass General Brigham Personalized Medicine
Classification: Likely benign. Last evaluated: 2016-03-08. Review status: criteria provided, single submitter. Criteria: LMM Criteria. Collection method: clinical testing. Allele origin: germline. Observed: 3 variant alleles.
Comment: p.Ala1436Ala in exon 31 of MYH9: This variant is not expected to have clinical s ignificance because it does not alter an amino acid residue, is not located with in the splice consensus sequence, and has been identified in 17/66670 European c hromosomes by the Exome Aggregation Consortium (ExAC .org; dbSNP rs369577944).

PreventionGenetics, part of Exact Sciences
Classification: Likely benign. Review status: criteria provided, single submitter. Criteria: ACMG Guidelines, 2015. Collection method: clinical testing. Allele origin: germline.

NM_002473.6(MYH9):c.4308G>A (p.Ala1436=)

Gene: MYH9 (myosin heavy chain 9; minus strand). Cytogenetic location: 22q12.3.
Variant type: single nucleotide variant.
Coding change: c.4308G>A on transcript NM_002473.6 (MANE Select); coding-DNA position 4308, G replaced by A.
Protein change: p.Ala1436=; no amino-acid change (alanine 1436 retained).
Molecular consequence: synonymous variant.
Genome position (GRCh38, 1-based): chr22:36,292,022, C>T on the plus strand (G>A on the coding strand, the complement: MYH9 is on the minus strand). VCF-style: chr22-36292022-C-T. GRCh37 (hg19) VCF-style: chr22-36688068-C-T.
Identifiers: ClinVar variation 164436 (VCV000164436.37), dbSNP rs369577944, ClinGen allele CA177090.